The following is an entry in ClinVar:

ClinVar aggregate classification (germline): Uncertain significance (1 of 4 stars; one submission).

Submission:

GeneDx
Classification: Uncertain significance. Last evaluated: 2026-04-12. Review status: criteria provided, single submitter. Criteria: GeneDx Variant Classification Process June 2021. Collection method: clinical testing. Allele origin: germline.
Comment: Has not been previously published as pathogenic or benign to our knowledge; In silico analysis suggests that this missense variant does not alter protein structure/function; Not observed at significant frequency in large population cohorts (gnomAD)

NM_006767.4(LZTR1):c.472G>A (p.Ala158Thr)

Gene: LZTR1 (leucine zipper like post translational regulator 1; plus strand). Cytogenetic location: 22q11.21.
Variant type: single nucleotide variant.
Coding change: c.472G>A on transcript NM_006767.4 (MANE Select); coding-DNA position 472, G replaced by A.
Protein change: p.Ala158Thr; replaces alanine 158 with threonine.
Molecular consequence: missense variant.
Genome position (GRCh38, 1-based): chr22:20,988,081, G>A. VCF-style: chr22-20988081-G-A. GRCh37 (hg19) VCF-style: chr22-21342370-G-A.
Other names: short protein forms A158T.
Identifiers: ClinVar variation 5037098 (VCV005037098.1).